The following is an entry in ClinVar:

ClinVar aggregate classification (germline): Uncertain significance (1 of 4 stars; one submission).

gnomAD v4.1: 62 of 1,613,976 alleles (0.0038%); highest among the groups gnomAD compares: South Asian, 0.03%; no homozygotes.

Submission:

Labcorp Genetics (formerly Invitae), Labcorp
Classification: Uncertain significance. Last evaluated: 2025-07-06. Review status: criteria provided, single submitter. Criteria: Invitae Variant Classification Sherloc (09022015). Collection method: clinical testing. Allele origin: germline.
Comment: This sequence change replaces histidine, which is basic and polar, with glutamine, which is neutral and polar, at codon 62 of the FOXC2 protein (p.His62Gln). This variant is present in population databases (rs761890099, gnomAD 0.03%). This variant has not been reported in the literature in individuals affected with FOXC2-related conditions. An algorithm developed to predict the effect of missense changes on protein structure and function (PolyPhen-2) suggests that this variant is likely to be disruptive. In summary, the available evidence is currently insufficient to determine the role of this variant in disease. Therefore, it has been classified as a Variant of Uncertain Significance.

NM_005251.3(FOXC2):c.186C>G (p.His62Gln)

Genes: FOXC2 (forkhead box C2; plus strand), FOXC2-AS1 (FOXC2 antisense RNA 1; minus strand). Cytogenetic location: 16q24.1.
Variant type: single nucleotide variant.
Coding change: c.186C>G on transcript NM_005251.3 (MANE Select); coding-DNA position 186, C replaced by G.
Protein change: p.His62Gln; replaces histidine 62 with glutamine.
Molecular consequence: missense variant.
Genome position (GRCh38, 1-based): chr16:86,567,521, C>G. VCF-style: chr16-86567521-C-G. GRCh37 (hg19) VCF-style: chr16-86601127-C-G.
Other names: short protein forms H62Q.
Identifiers: ClinVar variation 4809368 (VCV004809368.1).
Genomic context (GRCh38, chr16:86,567,521, plus strand): 5'-CGGCCACCCGGAGCAGTACAGCGCGGGGATGGGCCGCTCCTACGCGCCCTACCACCACCA[C>G]CAGCCCGCGGCGCCTAAGGACCTGGTGAAGCCGCCCTACAGCTACATCGCGCTCATCACC-3'
Protein context (NP_005242.1, residues 52-72): MGRSYAPYHH[His62Gln]QPAAPKDLVK